The following is an entry in ClinVar:

ClinVar aggregate classification (germline): Uncertain significance (1 of 4 stars; one submission).

Conditions:
Hereditary cancer-predisposing syndrome. Also called: Neoplastic Syndromes, Hereditary; Tumor predisposition; Hereditary neoplastic syndrome; Hereditary Cancer Syndrome. Identifiers: Orphanet 140162, MedGen C0027672, MeSH D009386, MONDO:0015356.
Cardiovascular phenotype. Identifiers: MedGen CN230736.

Submission:

Ambry Genetics
Classification: Uncertain significance for Cardiovascular phenotype; Hereditary cancer-predisposing syndrome. Last evaluated: 2023-12-31. Review status: criteria provided, single submitter. Criteria: Ambry Variant Classification Scheme 2023. Collection method: clinical testing. Allele origin: germline.
Comment: The p.F258C variant (also known as c.773T>G), located in coding exon 8 of the LZTR1 gene, results from a T to G substitution at nucleotide position 773. The phenylalanine at codon 258 is replaced by cysteine, an amino acid with highly dissimilar properties. This amino acid position is conserved. In addition, this alteration is predicted to be deleterious by in silico analysis. Since supporting evidence is limited at this time, the clinical significance of this alteration remains unclear.

NM_006767.4(LZTR1):c.773T>G (p.Phe258Cys)

Gene: LZTR1 (leucine zipper like post translational regulator 1; plus strand). Cytogenetic location: 22q11.21.
Variant type: single nucleotide variant.
Coding change: c.773T>G on transcript NM_006767.4 (MANE Select); coding-DNA position 773, T replaced by G.
Protein change: p.Phe258Cys; replaces phenylalanine 258 with cysteine.
Molecular consequence: missense variant.
Genome position (GRCh38, 1-based): chr22:20,990,507, T>G. VCF-style: chr22-20990507-T-G. GRCh37 (hg19) VCF-style: chr22-21344796-T-G.
Other names: short protein forms F258C.
Identifiers: ClinVar variation 3238338 (VCV003238338.1), dbSNP rs1358738000.
Genomic context (GRCh38, chr22:20,990,507, plus strand): 5'-ACAAGATGTTTGTATTCTCTGGGCAAAGCGGAGCCAAAATAACCAACAACCTCTTCCAGT[T>G]TGAATTCAAGGACAAGACGTGAGTACTCTGGCCAGTGGGGTGGAGGGAGGACGGTCAGTT-3'
Protein context (NP_006758.2, residues 248-268): GAKITNNLFQ[Phe258Cys]EFKDKTWTRI